The following is an entry in ClinVar:

ClinVar aggregate classification (germline): Likely benign. Review status: criteria provided, multiple submitters, no conflicts (2 of 4 stars). 2 submissions from 2 submitters: Likely benign (2). Last evaluated 2025-01-23.

Conditions:
Familial hypobetalipoproteinemia 1. Also called: Hypobetalipoproteinemia, normotriglyceridemic; Acanthocytosis with hypobetalipoproteinemia; APOB-Related Familial Hypobetalipoproteinemia. Identifiers: MedGen C4551990, MONDO:0014252, OMIM 615558.
Hypercholesterolemia, autosomal dominant, type B (FHCL2). Also called: APOLIPOPROTEIN B-100, FAMILIAL DEFECTIVE; APOLIPOPROTEIN B-100, FAMILIAL LIGAND-DEFECTIVE; HYPERCHOLESTEROLEMIA, FAMILIAL, DUE TO LIGAND-DEFECTIVE APOLIPOPROTEIN B; APOB-Related Familial Hypercholesterolemia, Autosomal Dominant; Familial Hypercholesterolemia Type B; Familial hypercholesterolemia 2. Identifiers: MedGen C1704417, MONDO:0007751, OMIM 144010.

Allele frequency attached by ClinVar (database versions not stated): ExAC 0.00001; gnomAD exomes 0.00002; ESP Exome Variant Server 0.00008.
gnomAD v4.1: 26 of 1,613,902 alleles (0.0016%); highest among the groups gnomAD compares: South Asian, 0.0022%; no homozygotes.

Submissions (2):

Labcorp Genetics (formerly Invitae), Labcorp
Classification: Likely benign for Familial hypobetalipoproteinemia 1; Hypercholesterolemia, autosomal dominant, type B. Last evaluated: 2025-01-23. Review status: criteria provided, single submitter. Criteria: Invitae Variant Classification Sherloc (09022015). Collection method: clinical testing. Allele origin: germline.

CeGaT Center for Human Genetics Tuebingen
Classification: Likely benign. Last evaluated: 2022-04-01. Review status: criteria provided, single submitter. Criteria: CeGaT Center For Human Genetics Tuebingen Variant Classification Criteria Version 2. Collection method: clinical testing. Allele origin: germline. Affected: yes. Observed: 1 variant allele.
Comment: APOB: BP4, BP7

NM_000384.3(APOB):c.8367C>T (p.Ile2789=)

Gene: APOB (apolipoprotein B; minus strand). Cytogenetic location: 2p24.1.
Variant type: single nucleotide variant.
Coding change: c.8367C>T on transcript NM_000384.3 (MANE Select); coding-DNA position 8367, C replaced by T.
Protein change: p.Ile2789=; no amino-acid change (isoleucine 2789 retained).
Molecular consequence: synonymous variant.
Genome position (GRCh38, 1-based): chr2:21,008,501, G>A on the plus strand (C>T on the coding strand, the complement: APOB is on the minus strand). VCF-style: chr2-21008501-G-A. GRCh37 (hg19) VCF-style: chr2-21231373-G-A.
Identifiers: ClinVar variation 1607668 (VCV001607668.39), dbSNP rs149734450, ClinGen allele CA065607.
Genomic context (GRCh38, chr2:21,008,501, plus strand): 5'-TTGAAAATCAAAATTGAGAACTTCTAATTTGGACTCTCCTTTGGCAGTGATGGAAGCTGC[G>A]ATACCTGCTTCGTTTGCTGAGGTGGTTCCATTCCCTATGTCAGCATTTGCATCTAATGTG-3'
Protein context (NP_000375.3, residues 2779-2799): NGTTSANEAG[Ile2789=]AASITAKGES